The following is an entry in ClinVar:

NM_001159699.2(FHL1):c.673T>C (p.Cys225Arg)

Gene: FHL1 (four and a half LIM domains 1; plus strand). Cytogenetic location: Xq26.3.
Variant type: single nucleotide variant.
Coding change: c.673T>C on transcript NM_001159699.2 (MANE Select); coding-DNA position 673, T replaced by C.
Protein change: p.Cys225Arg; replaces cysteine 225 with arginine.
Molecular consequence: missense variant. On other transcripts: non-coding transcript variant (1), intron variant (2).
Genome position (GRCh38, 1-based): chrX:136,208,578, T>C. VCF-style: chrX-136208578-T-C. GRCh37 (hg19) VCF-style: chrX-135290737-T-C.
Other names: c.625T>C, p.Cys209Arg (NM_001159700.2, NM_001159702.3, NM_001159704.1 and 8 more transcripts); c.712T>C, p.Cys238Arg (NM_001159701.2); c.501+617T>C (NM_001159703.2); c.549+617T>C (NM_001330659.2); short protein forms C209R, C225R, C238R.
Identifiers: ClinVar variation 11557 (VCV000011557.4), dbSNP rs122459149, ClinGen allele CA121565.

ClinVar aggregate classification (germline): Pathogenic. Review status: criteria provided, single submitter (1 of 4 stars). 2 submissions from 2 submitters: Pathogenic (1). 1 of the submissions does not count toward it. Last evaluated 2023-06-24.

Conditions:
X-linked myopathy with postural muscle atrophy. Also called: FHL1-Related Emery-Dreifuss Muscular Dystrophy, X-Linked. Identifiers: Orphanet 178461, MedGen C2678055, MONDO:0010401, OMIM 300696.
Emery-Dreifuss muscular dystrophy 6 (EDMD6). Also called: EMERY-DREIFUSS MUSCULAR DYSTROPHY 6, X-LINKED. Identifiers: MedGen C2749106, MONDO:0800318.

Submissions (2):

Labcorp Genetics (formerly Invitae), Labcorp
Classification: Pathogenic for X-linked myopathy with postural muscle atrophy. Last evaluated: 2023-06-24. Review status: criteria provided, single submitter. Criteria: Invitae Variant Classification Sherloc (09022015). Collection method: clinical testing. Allele origin: germline.
Comment: For these reasons, this variant has been classified as Pathogenic. An algorithm developed to predict the effect of missense changes on protein structure and function (PolyPhen-2) suggests that this variant is likely to be disruptive. ClinVar contains an entry for this variant (Variation ID: 11557). This missense change has been observed in individual(s) with Emery-Dreifuss muscular dystrophy (PMID: 19716112). It has also been observed to segregate with disease in related individuals. This variant is not present in population databases (gnomAD no frequency). This sequence change replaces cysteine, which is neutral and slightly polar, with arginine, which is basic and polar, at codon 209 of the FHL1 protein (p.Cys209Arg).

OMIM
Classification: Pathogenic for EMERY-DREIFUSS MUSCULAR DYSTROPHY 6. Last evaluated: 2010-01-01. Review status: no assertion criteria provided. Collection method: literature only. Allele origin: germline. Not counted in ClinVar's aggregate classification.

Literature cited by the submitters: PubMed 19716112 (cited by Labcorp Genetics (formerly Invitae), Labcorp and OMIM); PubMed 20186852 (cited by OMIM).